The following is an entry in ClinVar:

ClinVar aggregate classification (germline): Uncertain significance. Review status: criteria provided, multiple submitters, no conflicts (2 of 4 stars). 9 submissions from 9 submitters: Uncertain significance (7). 2 of the submissions do not count toward it. Last evaluated 2026-07-09.

Conditions:
RYR1-related disorder. Also called: RYR1-related disorders; RYR1-related condition. Identifiers: MedGen CN239331.
Malignant hyperthermia, susceptibility to, 1 (MHS1). Also called: Malignant hyperthermia suceptibility 1; Anesthesia related hyperthermia; Malignant hyperpyrexia; Fulminating hyperpyrexia; Pharmacogenic myopathy; RYR1-Related Malignant Hyperthermia Susceptibility. Identifiers: Orphanet 423, MedGen C2930980, MONDO:0007783, OMIM 145600.
Central core myopathy (CMYO1A). Also called: CONGENITAL MYOPATHY 1A, AUTOSOMAL DOMINANT, WITH SUSCEPTIBILITY TO MALIGNANT HYPERTHERMIA; Central core disease; Myopathy, central fibrillar. Identifiers: Orphanet 597, MedGen C5830701, MONDO:0007294, OMIM 117000.
Congenital multicore myopathy with external ophthalmoplegia (CMYO1B). Also called: MULTIMINICORE DISEASE WITH EXTERNAL OPHTHALMOPLEGIA; Minicore myopathy; Congenital myopathy 1B, autosomal recessive; MULTICORE MYOPATHY; Minicore myopathy with external ophthalmoplegia. Identifiers: Orphanet 598, Orphanet 98905, MedGen C1850674, MONDO:0009712, OMIM 255320, HP:0003789.
Congenital myopathy with fiber type disproportion. Also called: Congenital fiber-type disproportion myopathy; Congenital fiber-type disproportion. Identifiers: Orphanet 2020, MedGen C0546264, MONDO:0009711. Inheritance: all.
King Denborough syndrome (KDS). Identifiers: MedGen C1840365, MONDO:0020485, OMIM 619542.

Allele frequency attached by ClinVar (database versions not stated): gnomAD 0.00005; TOPMed 0.00007; ExAC 0.00008; gnomAD exomes 0.00008; ESP Exome Variant Server 0.00015; 1000 Genomes Project 30x 0.00016; 1000 Genomes Project 0.00020.
gnomAD v4.1: 152 of 1,610,878 alleles (0.0094%); highest among the groups gnomAD compares: East Asian, 0.04%; no homozygotes.

Submissions (9):

GeneDx
Classification: Uncertain significance. Last evaluated: 2026-07-09. Review status: criteria provided, single submitter. Criteria: GeneDx Variant Classification Process June 2021. Collection method: clinical testing. Allele origin: germline.
Comment: Observed in patient with congenital axial hypotonia and normal serum CK in published literature; however, no further clinical information was provided (PMID: 32403337); In silico analysis supports that this missense variant has a deleterious effect on protein structure/function; This variant is associated with the following publications: (PMID: 32403337, 40869992)

Labcorp Genetics (formerly Invitae), Labcorp
Classification: Uncertain significance for RYR1-related disorder. Last evaluated: 2025-03-25. Review status: criteria provided, single submitter. Criteria: Invitae Variant Classification Sherloc (09022015). Collection method: clinical testing. Allele origin: germline.
Comment: This sequence change replaces arginine, which is basic and polar, with histidine, which is basic and polar, at codon 2615 of the RYR1 protein (p.Arg2615His). The frequency data for this variant in the population databases is considered unreliable, as metrics indicate poor data quality at this position in the gnomAD database. This missense change has been observed in individual(s) with clinical features of congenital myopathy (PMID: 32403337). ClinVar contains an entry for this variant (Variation ID: 478280). Invitae Evidence Modeling of protein sequence and biophysical properties (such as structural, functional, and spatial information, amino acid conservation, physicochemical variation, residue mobility, and thermodynamic stability) has been performed for this missense variant. However, the output from this modeling did not meet the statistical confidence thresholds required to predict the impact of this variant on RYR1 protein function. In summary, the available evidence is currently insufficient to determine the role of this variant in disease. Therefore, it has been classified as a Variant of Uncertain Significance.

Blueprint Genetics
Classification: Uncertain significance. Last evaluated: 2024-11-23. Review status: criteria provided, single submitter. Criteria: ACMG Guidelines, 2015. Collection method: clinical testing. Allele origin: germline.

All of Us Research Program, National Institutes of Health
Classification: Uncertain significance for Malignant hyperthermia, susceptibility to, 1. Last evaluated: 2024-09-23. Review status: criteria provided, single submitter. Criteria: ACMG Guidelines, 2015. Collection method: clinical testing. Allele origin: germline. Inheritance: Autosomal dominant inheritance. Observed: 20 variant alleles, 20 heterozygotes.
Comment: This missense variant replaces arginine with histidine at codon 2615 of the RYR1 protein. Computational prediction suggests that this variant may have deleterious impact on protein structure and function (internally defined REVEL score threshold >= 0.7, PMID: 27666373). To our knowledge, functional studies have not been reported for this variant. This variant has been reported in an individual affected with congenital myopathy (PMID: 32403337). This variant has not been identified in the general population by the Genome Aggregation Database (gnomAD). The available evidence is insufficient to determine the role of this variant in disease conclusively. Therefore, this variant is classified as a Variant of Uncertain Significance.

This study involves interpretation of variants in research participants for the purpose of population health screening. Participant phenotype was not available at the time of variant classification. Additional details can be found in publication PMID: 35346344, PMCID: PMC8962531

Color Diagnostics, LLC DBA Color Health
Classification: Uncertain significance for Malignant hyperthermia, susceptibility to, 1. Last evaluated: 2024-04-05. Review status: criteria provided, single submitter. Criteria: ACMG Guidelines, 2015. Collection method: clinical testing. Allele origin: germline.
Comment: This missense variant replaces arginine with histidine at codon 2615 of the RYR1 protein. Computational prediction tool is inconclusive regarding the impact of this variant on protein structure and function. To our knowledge, functional studies have not been reported for this variant. This variant has been reported in an individual affected with congenital myopathy (PMID: 32403337). This variant has not been identified in the general population by the Genome Aggregation Database (gnomAD). The available evidence is insufficient to determine the role of this variant in disease conclusively. Therefore, this variant is classified as a Variant of Uncertain Significance.

Revvity Omics, Revvity
Classification: Uncertain significance. Last evaluated: 2023-03-16. Review status: criteria provided, single submitter. Criteria: ACMG Guidelines, 2015. Collection method: clinical testing. Allele origin: germline.

Fulgent Genetics
Classification: Uncertain significance for Central core myopathy; Malignant hyperthermia, susceptibility to, 1; Congenital myopathy 4A, autosomal dominant; Congenital multicore myopathy with external ophthalmoplegia; King Denborough syndrome. Last evaluated: 2021-09-01. Review status: criteria provided, single submitter. Criteria: ACMG Guidelines, 2015. Collection method: clinical testing. Allele origin: unknown.

PreventionGenetics, part of Exact Sciences
Classification: Uncertain significance for RYR1-related condition. Last evaluated: 2024-07-25. Review status: no assertion criteria provided. Collection method: clinical testing. Allele origin: germline. Not counted in ClinVar's aggregate classification.
Comment: The RYR1 c.7844G>A variant is predicted to result in the amino acid substitution p.Arg2615His. This variant was reported in the heterozygous state in an individual with congenital myopathy; however, pathogenicity was not established (Gonzalez-Quereda et al 2020. PubMed ID: 32403337). This variant is reported in 0.024% of alleles in individuals of African descent in gnomAD. A different missense change affecting this residue has been reported in patients with myopathy without further evidence of pathogenicity (c.7843C>T, p.Arg2615Cys; Rocha et al. 2014. PubMed ID: 24950660, Invernizzi et al. 2023. PubMed ID: 37510298; Sanga et al. 2021. PubMed ID: 33124102). At this time, the clinical significance of the c.7844G>A variant is uncertain due to the absence of conclusive functional and genetic evidence.

Department of Pathology and Laboratory Medicine, Sinai Health System
Classification: Uncertain significance. Review status: no assertion criteria provided. Collection method: clinical testing. Allele origin: unknown. Affected: yes. Study: The Canadian Open Genetics Repository (COGR). Not counted in ClinVar's aggregate classification.
Comment: The RYR1 p.Arg2615His variant was not identified in the literature but was identified in dbSNP (ID: rs145183043) and ClinVar (classified as uncertain significance by Invitae and Prevention Genetics). The variant was identified in control databases in 21 of 280550 chromosomes at a frequency of 0.00007485 (Genome Aggregation Database March 6, 2019, v2.1.1). The variant was observed in the following populations: African in 6 of 24906 chromosomes (freq: 0.000241), East Asian in 3 of 19924 chromosomes (freq: 0.000151), Latino in 5 of 35422 chromosomes (freq: 0.000141), Other in 1 of 7210 chromosomes (freq: 0.000139), European (non-Finnish) in 5 of 128914 chromosomes (freq: 0.000039) and South Asian in 1 of 30610 chromosomes (freq: 0.000033), but was not observed in the Ashkenazi Jewish or European (Finnish) populations. The p.Arg2615 residue is not conserved in mammals and computational analyses (PolyPhen-2, SIFT, AlignGVGD, BLOSUM, MutationTaster) provide inconsistent predictions regarding the impact to the protein; this information is not very predictive of pathogenicity. The variant occurs outside of the splicing consensus sequence and in silico or computational prediction software programs (SpliceSiteFinder, MaxEntScan, NNSPLICE, GeneSplicer) do not predict a difference in splicing. In summary, based on the above information the clinical significance of this variant cannot be determined with certainty at this time. This variant is classified as a variant of uncertain significance.

Literature cited by the submitters: PubMed 32403337 (cited by 3 submitters).

NM_000540.3(RYR1):c.7844G>A (p.Arg2615His)

Gene: RYR1 (ryanodine receptor 1; plus strand). Cytogenetic location: 19q13.2.
Variant type: single nucleotide variant.
Coding change: c.7844G>A on transcript NM_000540.3 (MANE Select); coding-DNA position 7844, G replaced by A.
Protein change: p.Arg2615His; replaces arginine 2615 with histidine.
Molecular consequence: missense variant.
Genome position (GRCh38, 1-based): chr19:38,502,888, G>A. VCF-style: chr19-38502888-G-A. GRCh37 (hg19) VCF-style: chr19-38993528-G-A.
Other names: c.7844G>A, p.Arg2615His (NM_001042723.2); short protein forms R2615H.
Identifiers: ClinVar variation 478280 (VCV000478280.15), dbSNP rs145183043, ClinGen allele CA070820.